The following is an entry in ClinVar:

NM_001130987.2(DYSF):c.1576+1del

Gene: DYSF (dysferlin; plus strand). Cytogenetic location: 2p13.2.
Variant type: Deletion.
Coding change: c.1576+1del on transcript NM_001130987.2 (MANE Select); the canonical splice donor site of the intron after coding-DNA position 1576, one base deleted (G; older notation c.1576+1delG).
Molecular consequence: splice donor variant.
Genome position (GRCh38, 1-based): chr2:71,539,240, G deleted; the last of 2 consecutive G bases (chr2:71,539,239-71,539,240); deleting either gives the same sequence. VCF-style (leftmost placement, unchanged base first): chr2-71539238-AG-A. GRCh37 (hg19) VCF-style: chr2-71766368-AG-A.
Other names: c.1480+1delG (NM_003494.3); c.1573+1del (NM_001130979.2, NM_001130981.2, NM_001130980.2); c.1480+1del (NM_001130978.2, NM_003494.4, NM_001130977.2 and 1 more transcripts); c.1576+1del (NM_001130982.2, NM_001130985.2); c.1483+1del (NM_001130983.2, NM_001130455.2, NM_001130984.2 and 1 more transcripts).
Identifiers: ClinVar variation 552948 (VCV000552948.9), dbSNP rs1553537332, ClinGen allele CA658822439.

ClinVar aggregate classification (germline): Pathogenic. Review status: criteria provided, multiple submitters, no conflicts (2 of 4 stars). 3 submissions from 3 submitters: Pathogenic (2). 1 of the submissions does not count toward it. Last evaluated 2023-09-05.

Conditions:
Neuromuscular disease caused by qualitative or quantitative defects of dysferlin. Also called: Qualitative or quantitative defects of dysferlin; Dysferlinopathy. Identifiers: Orphanet 207073, MedGen C2931687, MONDO:0016145.
Autosomal recessive limb-girdle muscular dystrophy type 2B (LGMDR2). Also called: Limb-Girdle Muscular Dystrophy Type 2B (LGMD2B); MUSCULAR DYSTROPHY, LIMB-GIRDLE, AUTOSOMAL RECESSIVE 2; MUSCULAR DYSTROPHY, LIMB-GIRDLE, TYPE 3; Limb-girdle muscular dystrophy, type 2B. Identifiers: Orphanet 268, MedGen C1850889, MONDO:0009676, OMIM 253601.
Miyoshi muscular dystrophy 1 (MMD1). Identifiers: Orphanet 45448, MedGen C4551973, MONDO:0024545, OMIM 254130.

Submissions (3):

Baylor Genetics
Classification: Pathogenic for Miyoshi muscular dystrophy 1. Last evaluated: 2023-09-05. Review status: criteria provided, single submitter. Criteria: ACMG Guidelines, 2015. Collection method: clinical testing. Allele origin: unknown.

Labcorp Genetics (formerly Invitae), Labcorp
Classification: Pathogenic for Neuromuscular disease caused by qualitative or quantitative defects of dysferlin. Last evaluated: 2022-04-11. Review status: criteria provided, single submitter. Criteria: Invitae Variant Classification Sherloc (09022015). Collection method: clinical testing. Allele origin: germline.
Comment: This premature translational stop signal has been observed in individual(s) with Miyoshi myopathy (PMID: 16996541). For these reasons, this variant has been classified as Pathogenic. Algorithms developed to predict the effect of sequence changes on RNA splicing suggest that this variant may disrupt the consensus splice site. ClinVar contains an entry for this variant (Variation ID: 552948). This variant is also known as c.1481+1delG. This variant is not present in population databases (gnomAD no frequency). This sequence change creates a premature translational stop signal (p.Glu494Argfs*133) in the DYSF gene. It is expected to result in an absent or disrupted protein product. Loss-of-function variants in DYSF are known to be pathogenic (PMID: 17698709, 20301480).

Counsyl
Classification: Likely pathogenic for Autosomal recessive limb-girdle muscular dystrophy type 2B. Last evaluated: 2017-07-19. Review status: no assertion criteria provided. Collection method: clinical testing. Allele origin: unknown. Not counted in ClinVar's aggregate classification.

Literature cited by the submitters: PubMed 16996541 (cited by Labcorp Genetics (formerly Invitae), Labcorp and Counsyl); PubMed 17698709 (cited by Labcorp Genetics (formerly Invitae), Labcorp); PubMed 20301480 (cited by Labcorp Genetics (formerly Invitae), Labcorp).